The following is an entry in ClinVar:

ClinVar aggregate classification (germline): Likely pathogenic (1 of 4 stars; one submission).

Conditions:
Brain small vessel disease 1 with or without ocular anomalies (BSVD1). Also called: BRAIN SMALL VESSEL DISEASE WITH HEMORRHAGE; GOULD SYNDROME 1; PORENCEPHALY, TYPE 1, AUTOSOMAL DOMINANT; Brain small vessel disease with or without ocular anomalies. Identifiers: Orphanet 2940, Orphanet 36383, Orphanet 99810, MedGen C4755307, MONDO:0008289, OMIM 175780.

Submission:

Center for Human Genetics and Genomic Medicine, Uniklinik Rwth Aachen
Classification: Likely pathogenic for Brain small vessel disease 1 with or without ocular anomalies. Last evaluated: 2023-06-19. Review status: criteria provided, single submitter. Criteria: ACMG Guidelines, 2015. Collection method: clinical testing. Allele origin: de novo. Inheritance: Autosomal dominant inheritance. Affected: yes. Observed: 1 heterozygote.
Comment: The detected change is not reported in the general population (gnomAD) (as of June 19, 2023). It has not yet been described in the ClinVar database or in the literature. Bioinformatically, the change is classified as "likely disease-causing" (PolyPhen2, Mutation Taster, SIFT, CADDphred 28.5). The variant was not detected in the parental samples. The variant is currently to be regarded as a "likely pathogenic variant" (ACMG criteria).

NM_001845.6(COL4A1):c.2644G>T (p.Gly882Cys)

Gene: COL4A1 (collagen type IV alpha 1 chain; minus strand). Cytogenetic location: 13q34.
Variant type: single nucleotide variant.
Coding change: c.2644G>T on transcript NM_001845.6 (MANE Select); coding-DNA position 2644, G replaced by T.
Protein change: p.Gly882Cys; replaces glycine 882 with cysteine.
Molecular consequence: missense variant.
Genome position (GRCh38, 1-based): chr13:110,177,914, C>A on the plus strand (G>T on the coding strand, the complement: COL4A1 is on the minus strand). VCF-style: chr13-110177914-C-A. GRCh37 (hg19) VCF-style: chr13-110830261-C-A.
Other names: short protein forms G882C.
Identifiers: ClinVar variation 2574700 (VCV002574700.2), dbSNP rs2501779644, ClinGen allele CA388667628.